The following is an entry in ClinVar:

NC_000015.9:g.(?_26792940)_(27020442_?)dup

Gene: GABRB3 (gamma-aminobutyric acid type A receptor subunit beta3; minus strand). Cytogenetic location: 15q12.
Variant type: Duplication.
Identifiers: ClinVar variation 1027351 (VCV001027351.1).

ClinVar aggregate classification (germline): Uncertain significance (1 of 4 stars; one submission).

Conditions:
Epilepsy, childhood absence, susceptibility to, 5. Identifiers: Orphanet 64280, MedGen C2677087, MONDO:0012843, OMIM 612269.
Epilepsy, childhood absence, susceptibility to, 1. Also called: Epilepsy, childhood absence 1. Identifiers: Orphanet 64280, MedGen C1838604, MONDO:0020759, OMIM 600131.

Submission:

Labcorp Genetics (formerly Invitae), Labcorp
Classification: Uncertain significance for Epilepsy, childhood absence, susceptibility to, 5; Epilepsy, childhood absence, susceptibility to, 1. Last evaluated: 2020-10-03. Review status: criteria provided, single submitter. Criteria: Invitae Variant Classification Sherloc (09022015). Collection method: clinical testing. Allele origin: germline.
Comment: This variant results in a copy number gain of the genomic region encompassing the full coding sequence of the GABRB3 gene. The boundaries of this event are unknown as they extend beyond the assayed region for this gene and therefore may encompass additional genes. As the precise location of this event is unknown, it may be in tandem or it may be located elsewhere in the genome. While a whole-gene copy number gain of just the GABRB3 gene alone has not been reported in the literature, much larger copy number variants encompassing more than 5 Mb of DNA (15q11-q13) and multiple adjacent genes have been reported in individuals with a wide spectrum of neuropsychiatric disorders, including autism spectrum disorders, developmental delay, learning difficulties, schizophrenia, and seizures (PMID: 26068938, 23495136, 28281572). In summary, the available evidence is currently insufficient to determine the role of this variant in disease. Therefore, it has been classified as a Variant of Uncertain Significance.

Literature cited by the submitters: PubMed 26068938; PubMed 23495136; PubMed 28281572.